The following is an entry in ClinVar:

ClinVar aggregate classification (germline): Uncertain significance (1 of 4 stars; one submission).

Conditions:
Hypertrophic cardiomyopathy. Also called: HYPERTROPHIC MYOCARDIOPATHY. Identifiers: Orphanet 217569, MedGen C0007194, MeSH D002312, MONDO:0005045, HP:0001639.

gnomAD v4.1: 18 of 1,610,944 alleles (0.0011%); highest among the groups gnomAD compares: Non-Finnish European, 0.0014%; no homozygotes.

Submission:

Labcorp Genetics (formerly Invitae), Labcorp
Classification: Uncertain significance for Hypertrophic cardiomyopathy. Last evaluated: 2024-09-21. Review status: criteria provided, single submitter. Criteria: Invitae Variant Classification Sherloc (09022015). Collection method: clinical testing. Allele origin: germline.
Comment: This sequence change replaces isoleucine, which is neutral and non-polar, with threonine, which is neutral and polar, at codon 546 of the MYOM1 protein (p.Ile546Thr). The frequency data for this variant in the population databases is considered unreliable, as metrics indicate poor data quality at this position in the gnomAD database. This variant has not been reported in the literature in individuals affected with MYOM1-related conditions. Invitae Evidence Modeling of protein sequence and biophysical properties (such as structural, functional, and spatial information, amino acid conservation, physicochemical variation, residue mobility, and thermodynamic stability) indicates that this missense variant is not expected to disrupt MYOM1 protein function with a negative predictive value of 80%. In summary, the available evidence is currently insufficient to determine the role of this variant in disease. Therefore, it has been classified as a Variant of Uncertain Significance.

NM_003803.4(MYOM1):c.1637T>C (p.Ile546Thr)

Gene: MYOM1 (myomesin 1; minus strand). Cytogenetic location: 18p11.31.
Variant type: single nucleotide variant.
Coding change: c.1637T>C on transcript NM_003803.4 (MANE Select); coding-DNA position 1637, T replaced by C.
Protein change: p.Ile546Thr; replaces isoleucine 546 with threonine.
Molecular consequence: missense variant.
Genome position (GRCh38, 1-based): chr18:3,154,953, A>G on the plus strand (T>C on the coding strand, the complement: MYOM1 is on the minus strand). VCF-style: chr18-3154953-A-G. GRCh37 (hg19) VCF-style: chr18-3154951-A-G.
Other names: c.1637T>C, p.Ile546Thr (NM_019856.2); short protein forms I546T.
Identifiers: ClinVar variation 3635093 (VCV003635093.2).